The following is an entry in ClinVar:

NM_000327.4(ROM1):c.545G>A (p.Trp182Ter)

Gene: ROM1 (retinal outer segment membrane protein 1; plus strand). Cytogenetic location: 11q12.3.
Variant type: single nucleotide variant.
Coding change: c.545G>A on transcript NM_000327.4 (MANE Select); coding-DNA position 545, G replaced by A.
Protein change: p.Trp182Ter; replaces tryptophan 182 with a stop codon.
Molecular consequence: nonsense.
Genome position (GRCh38, 1-based): chr11:62,613,826, G>A. VCF-style: chr11-62613826-G-A. GRCh37 (hg19) VCF-style: chr11-62381298-G-A.
Other names: short protein forms W182*.
Identifiers: ClinVar variation 4692103 (VCV004692103.1).

ClinVar aggregate classification (germline): Uncertain significance (1 of 4 stars; one submission).

Submission:

Labcorp Genetics (formerly Invitae), Labcorp
Classification: Uncertain significance. Last evaluated: 2025-09-15. Review status: criteria provided, single submitter. Criteria: Invitae Variant Classification Sherloc (09022015). Collection method: clinical testing. Allele origin: germline.
Comment: This sequence change creates a premature translational stop signal (p.Trp182*) in the ROM1 gene. It is expected to result in an absent or disrupted protein product. However, the current clinical and genetic evidence is not sufficient to establish whether loss-of-function variants in ROM1 cause disease. This variant is not present in population databases (gnomAD no frequency). This variant has not been reported in the literature in individuals affected with ROM1-related conditions. Algorithms developed to predict the effect of sequence changes on RNA splicing suggest that this variant may disrupt the consensus splice site. In summary, the available evidence is currently insufficient to determine the role of this variant in disease. Therefore, it has been classified as a Variant of Uncertain Significance.